The following is an entry in ClinVar:

ClinVar aggregate classification (germline): Uncertain significance (1 of 4 stars; one submission).

Conditions:
Familial cancer of breast. Also called: BREAST CANCER, FAMILIAL; Hereditary breast cancer; hereditary breast carcinoma. Identifiers: Orphanet 227535, MedGen C0346153, MONDO:0016419, OMIM 114480. Disease mechanism: loss of function.

Allele frequency attached by ClinVar (database versions not stated): gnomAD exomes below 0.00001 and 0.00001; ExAC 0.00001.
gnomAD v4.1: 4 of 1,614,080 alleles (0.00025%); highest among the groups gnomAD compares: South Asian, 0.0044%; no homozygotes.

Submission:

Labcorp Genetics (formerly Invitae), Labcorp
Classification: Uncertain significance for Familial cancer of breast. Last evaluated: 2024-03-06. Review status: criteria provided, single submitter. Criteria: Invitae Variant Classification Sherloc (09022015). Collection method: clinical testing. Allele origin: germline.
Comment: This sequence change replaces glycine, which is neutral and non-polar, with glutamic acid, which is acidic and polar, at codon 680 of the PALB2 protein (p.Gly680Glu). This variant is present in population databases (rs759218890, gnomAD 0.003%). This variant has not been reported in the literature in individuals affected with PALB2-related conditions. ClinVar contains an entry for this variant (Variation ID: 1051916). Advanced modeling of protein sequence and biophysical properties (such as structural, functional, and spatial information, amino acid conservation, physicochemical variation, residue mobility, and thermodynamic stability) performed at Invitae indicates that this missense variant is not expected to disrupt PALB2 protein function with a negative predictive value of 80%. In summary, the available evidence is currently insufficient to determine the role of this variant in disease. Therefore, it has been classified as a Variant of Uncertain Significance.

NM_024675.4(PALB2):c.2039G>A (p.Gly680Glu)

Gene: PALB2 (partner and localizer of BRCA2; minus strand). Cytogenetic location: 16p12.2.
Variant type: single nucleotide variant.
Coding change: c.2039G>A on transcript NM_024675.4 (MANE Select); coding-DNA position 2039, G replaced by A.
Protein change: p.Gly680Glu; replaces glycine 680 with glutamic acid.
Molecular consequence: missense variant.
Genome position (GRCh38, 1-based): chr16:23,630,115, C>T on the plus strand (G>A on the coding strand, the complement: PALB2 is on the minus strand). VCF-style: chr16-23630115-C-T. GRCh37 (hg19) VCF-style: chr16-23641436-C-T.
Other names: short protein forms G680E.
Identifiers: ClinVar variation 1051916 (VCV001051916.10), dbSNP rs759218890, ClinGen allele CA7963631.